The following is an entry in ClinVar:

ClinVar aggregate classification (germline): Uncertain significance (1 of 4 stars; one submission).

Conditions:
Brugada syndrome 8 (BRGDA8). Identifiers: Orphanet 130, MedGen C2751083, MONDO:0013148, OMIM 613123.

Allele frequency attached by ClinVar (database versions not stated): gnomAD exomes below 0.00001.
gnomAD v4.1: 5 of 1,614,030 alleles (0.00031%); highest among the groups gnomAD compares: Admixed American, 0.0017%; no homozygotes.

Submission:

Labcorp Genetics (formerly Invitae), Labcorp
Classification: Uncertain significance for Brugada syndrome 8. Last evaluated: 2020-07-13. Review status: criteria provided, single submitter. Criteria: Invitae Variant Classification Sherloc (09022015). Collection method: clinical testing. Allele origin: germline.
Comment: In summary, the available evidence is currently insufficient to determine the role of this variant in disease. Therefore, it has been classified as a Variant of Uncertain Significance. Experimental studies and prediction algorithms are not available or were not evaluated, and the functional significance of this variant is currently unknown. This variant has not been reported in the literature in individuals with HCN4-related conditions. This variant is not present in population databases (ExAC no frequency). This sequence change replaces isoleucine with valine at codon 453 of the HCN4 protein (p.Ile453Val). The isoleucine residue is moderately conserved and there is a small physicochemical difference between isoleucine and valine.

NM_005477.3(HCN4):c.1357A>G (p.Ile453Val)

Gene: HCN4 (hyperpolarization activated cyclic nucleotide gated potassium channel 4; minus strand). Cytogenetic location: 15q24.1.
Variant type: single nucleotide variant.
Coding change: c.1357A>G on transcript NM_005477.3 (MANE Select); coding-DNA position 1357, A replaced by G.
Protein change: p.Ile453Val; replaces isoleucine 453 with valine.
Molecular consequence: missense variant.
Genome position (GRCh38, 1-based): chr15:73,332,145, T>C on the plus strand (A>G on the coding strand, the complement: HCN4 is on the minus strand). VCF-style: chr15-73332145-T-C. GRCh37 (hg19) VCF-style: chr15-73624486-T-C.
Other names: short protein forms I453V.
Identifiers: ClinVar variation 1003826 (VCV001003826.8), dbSNP rs1394017911, ClinGen allele CA393094264.